The following is an entry in ClinVar:

ClinVar aggregate classification (germline): Uncertain significance. Review status: criteria provided, multiple submitters, no conflicts (2 of 4 stars). 2 submissions from 2 submitters: Uncertain significance (2). Last evaluated 2024-08-06.

Conditions:
Familial thoracic aortic aneurysm and aortic dissection (TAAD). Also called: Thoracic aortic aneurysms and dissections. Identifiers: Orphanet 91387, MedGen C4707243, MONDO:0019625.
Ehlers-Danlos syndrome, type 4 (EDSVASC). Also called: Ehlers-Danlos Syndrome Type IV; Ehlers-Danlos syndrome vascular type; Ehlers Danlos syndrome, ecchymotic type; Ehlers Danlos syndrome, arterial type; Ehlers Danlos syndrome, Sack-Barabas type. Identifiers: Orphanet 286, MedGen C0268338, MONDO:0017314, OMIM 130050.

Allele frequency attached by ClinVar (database versions not stated): gnomAD exomes below 0.00001; TOPMed below 0.00001.
gnomAD v4.1: 1 of 1,613,788 alleles (0.000062%); highest among the groups gnomAD compares: East Asian, 0.0022%; no homozygotes.

Submissions (2):

All of Us Research Program, National Institutes of Health
Classification: Uncertain significance for Ehlers-Danlos syndrome, type 4. Last evaluated: 2024-08-06. Review status: criteria provided, single submitter. Criteria: ACMG Guidelines, 2015. Collection method: clinical testing. Allele origin: germline. Inheritance: Autosomal dominant inheritance. Observed: 2 variant alleles, 2 heterozygotes.
Comment: This missense variant replaces asparagine with serine at codon 422 of the COL3A1 protein. Computational prediction suggests that this variant may not impact protein structure and function (internally defined REVEL score threshold <= 0.5, PMID: 27666373). To our knowledge, functional studies have not been reported for this variant. This variant has not been reported in individuals affected with cardiovascular disorders in the literature. This variant has been identified in 1/251234 chromosomes in the general population by the Genome Aggregation Database (gnomAD). The available evidence is insufficient to determine the role of this variant in disease conclusively. Therefore, this variant is classified as a Variant of Uncertain Significance.

This study involves interpretation of variants in research participants for the purpose of population health screening. Participant phenotype was not available at the time of variant classification. Additional details can be found in publication PMID: 35346344, PMCID: PMC8962531

Color Diagnostics, LLC DBA Color Health
Classification: Uncertain significance for Familial thoracic aortic aneurysm and aortic dissection. Last evaluated: 2024-03-06. Review status: criteria provided, single submitter. Criteria: ACMG Guidelines, 2015. Collection method: clinical testing. Allele origin: germline.
Comment: This missense variant replaces asparagine with serine at codon 422 of the COL3A1 protein. Computational prediction suggests that this variant may not impact protein structure and function (internally defined REVEL score threshold <= 0.5, PMID: 27666373). To our knowledge, functional studies have not been reported for this variant. This variant has not been reported in individuals affected with cardiovascular disorders in the literature. This variant has been identified in 1/251234 chromosomes in the general population by the Genome Aggregation Database (gnomAD). The available evidence is insufficient to determine the role of this variant in disease conclusively. Therefore, this variant is classified as a Variant of Uncertain Significance.

NM_000090.4(COL3A1):c.1265A>G (p.Asn422Ser)

Gene: COL3A1 (collagen type III alpha 1 chain; plus strand). Cytogenetic location: 2q32.2.
Variant type: single nucleotide variant.
Coding change: c.1265A>G on transcript NM_000090.4 (MANE Select); coding-DNA position 1265, A replaced by G.
Protein change: p.Asn422Ser; replaces asparagine 422 with serine.
Molecular consequence: missense variant.
Genome position (GRCh38, 1-based): chr2:188,994,304, A>G. VCF-style: chr2-188994304-A-G. GRCh37 (hg19) VCF-style: chr2-189859030-A-G.
Other names: short protein forms N422S.
Identifiers: ClinVar variation 2775103 (VCV002775103.3), dbSNP rs1369983620, ClinGen allele CA349851504.
Genomic context (GRCh38, chr2:188,994,304, plus strand): 5'-GCATTCCTGGAGCTCCTGGACTGATGGGAGCCCGGGGTCCTCCAGGACCAGCCGGTGCTA[A>G]TGGTGCTCCTGGACTGCGAGGTGGTGCAGTAAGTTGCCTTGTTTTTTCTCTGTTGACTGA-3'
Protein context (NP_000081.2, residues 412-432): ARGPPGPAGA[Asn422Ser]GAPGLRGGAG